The following is an entry in ClinVar:

ClinVar aggregate classification (germline): Uncertain significance (1 of 4 stars; one submission).

Submission:

Labcorp Genetics (formerly Invitae), Labcorp
Classification: Uncertain significance. Last evaluated: 2025-12-22. Review status: criteria provided, single submitter. Criteria: Invitae Variant Classification Sherloc (09022015). Collection method: clinical testing. Allele origin: germline.
Comment: This variant, c.5217_5219del, results in the deletion of 1 amino acid(s) of the COL11A1 protein (p.Asp1739del), but otherwise preserves the integrity of the reading frame. This variant is not present in population databases (gnomAD no frequency). This variant has not been reported in the literature in individuals affected with COL11A1-related conditions. Experimental studies and prediction algorithms are not available or were not evaluated, and the functional significance of this variant is currently unknown. In summary, the available evidence is currently insufficient to determine the role of this variant in disease. Therefore, it has been classified as a Variant of Uncertain Significance.

NM_001854.4(COL11A1):c.5214TGA[1] (p.Asp1739del)

Genes: COL11A1 (collagen type XI alpha 1 chain; minus strand), LOC126805814 (P300/CBP strongly-dependent group 1 enhancer GRCh37_chr1:103344928-103346127; plus strand). Cytogenetic location: 1p21.1.
Variant type: Microsatellite.
Coding change: c.5214TGA[1] on transcript NM_001854.4 (MANE Select); one copy of the 3-base unit TGA starting at c.5214; the reference has two copies in a row; one copy, 3 bases deleted.
Protein change: p.Asp1739del; deletes aspartic acid 1739.
Molecular consequence: inframe deletion. On other transcripts: non-coding transcript variant (1).
Genome position (GRCh38, 1-based): chr1:102,879,738-102,879,740, TCA deleted on the plus strand (TGA on the coding strand, the reverse complement: COL11A1 is on the minus strand); deleting any 3 consecutive bases within chr1:102,879,738-102,879,744 gives the same sequence; the position shown is the placement nearest the transcript's 3' end. VCF-style (leftmost placement, unchanged base first): chr1-102879737-CTCA-C. GRCh37 (hg19) VCF-style: chr1-103345293-CTCA-C.
Other names: c.5097TGA[1], p.Asp1700del (NM_001190709.2); c.5250TGA[1], p.Asp1751del (NM_080629.3); c.4866TGA[1], p.Asp1623del (NM_080630.4); short protein forms D1739del, D1751del, D1623del, D1700del.
Identifiers: ClinVar variation 4733540 (VCV004733540.1).